The following is an entry in ClinVar:

NM_001170535.3(ATAD3A):c.1014C>T (p.Thr338=)

Gene: ATAD3A (ATPase family AAA domain containing 3A; plus strand). Cytogenetic location: 1p36.33.
Variant type: single nucleotide variant.
Coding change: c.1014C>T on transcript NM_001170535.3 (MANE Select); coding-DNA position 1014, C replaced by T.
Protein change: p.Thr338=; no amino-acid change (threonine 338 retained).
Molecular consequence: synonymous variant.
Genome position (GRCh38, 1-based): chr1:1,523,889, C>T. VCF-style: chr1-1523889-C-T. GRCh37 (hg19) VCF-style: chr1-1459269-C-T.
Other names: c.777C>T, p.Thr259= (NM_001170536.3); c.1158C>T, p.Thr386= (NM_018188.5).
Identifiers: ClinVar variation 2638033 (VCV002638033.25), dbSNP rs143463496, ClinGen allele CA526149.

ClinVar aggregate classification (germline): Likely benign. Review status: criteria provided, multiple submitters, no conflicts (2 of 4 stars). 2 submissions from 2 submitters: Likely benign (2). Last evaluated 2026-07-01.

Allele frequency attached by ClinVar (database versions not stated): 1000 Genomes Project 0.00080; ESP Exome Variant Server 0.00100; 1000 Genomes Project 30x 0.00109; ExAC 0.00143.
gnomAD v4.1: 1,792 of 1,614,004 alleles (0.11%); highest among the groups gnomAD compares: South Asian, 0.35%; 9 homozygotes.

Submissions (2):

CeGaT Center for Human Genetics Tuebingen
Classification: Likely benign. Last evaluated: 2026-07-01. Review status: criteria provided, single submitter. Criteria: CeGaT Center For Human Genetics Tuebingen Variant Classification Criteria Version 2. Collection method: clinical testing. Allele origin: germline. Affected: yes. Observed: 9 variant alleles.
Comment: ATAD3A: BP4, BP7

Blueprint Genetics
Classification: Likely benign. Last evaluated: 2024-11-23. Review status: criteria provided, single submitter. Criteria: ACMG Guidelines, 2015. Collection method: clinical testing. Allele origin: germline.